The following is an entry in ClinVar:

ClinVar aggregate classification (germline): Uncertain significance (1 of 4 stars; one submission).

Allele frequency attached by ClinVar (database versions not stated): gnomAD exomes below 0.00001.
gnomAD v4.1: 1 of 1,614,100 alleles (0.000062%); no homozygotes.

Submission:

Labcorp Genetics (formerly Invitae), Labcorp
Classification: Uncertain significance. Last evaluated: 2022-07-19. Review status: criteria provided, single submitter. Criteria: Invitae Variant Classification Sherloc (09022015). Collection method: clinical testing. Allele origin: germline.
Comment: In summary, the available evidence is currently insufficient to determine the role of this variant in disease. Therefore, it has been classified as a Variant of Uncertain Significance. ClinVar contains an entry for this variant (Variation ID: 1385734). Algorithms developed to predict the effect of missense changes on protein structure and function are either unavailable or do not agree on the potential impact of this missense change (SIFT: "Tolerated"; PolyPhen-2: "Possibly Damaging"; Align-GVGD: "Class C0"). This variant is present in population databases (no rsID available, gnomAD 0.004%). This sequence change replaces glycine, which is neutral and non-polar, with serine, which is neutral and polar, at codon 397 of the TSPEAR protein (p.Gly397Ser). This variant has not been reported in the literature in individuals affected with TSPEAR-related conditions.

NM_144991.3(TSPEAR):c.1189G>A (p.Gly397Ser)

Gene: TSPEAR (thrombospondin type laminin G domain and EAR repeats; minus strand). Cytogenetic location: 21q22.3.
Variant type: single nucleotide variant.
Coding change: c.1189G>A on transcript NM_144991.3 (MANE Select); coding-DNA position 1189, G replaced by A.
Protein change: p.Gly397Ser; replaces glycine 397 with serine.
Molecular consequence: missense variant.
Genome position (GRCh38, 1-based): chr21:44,525,800, C>T on the plus strand (G>A on the coding strand, the complement: TSPEAR is on the minus strand). VCF-style: chr21-44525800-C-T. GRCh37 (hg19) VCF-style: chr21-45945683-C-T.
Other names: c.985G>A, p.Gly329Ser (NM_001272037.2); short protein forms G329S, G397S.
Identifiers: ClinVar variation 1385734 (VCV001385734.6), dbSNP rs1555914871, ClinGen allele CA410439757.